The following is an entry in ClinVar:

ClinVar aggregate classification (germline): Uncertain significance. Review status: criteria provided, multiple submitters, no conflicts (2 of 4 stars). 2 submissions from 2 submitters: Uncertain significance (2). Last evaluated 2024-09-13.

Allele frequency attached by ClinVar (database versions not stated): gnomAD 0.00001; gnomAD exomes 0.00001 and 0.00002; TOPMed 0.00001; ExAC 0.00002; ESP Exome Variant Server 0.00008.
gnomAD v4.1: 20 of 1,612,048 alleles (0.0012%); highest among the groups gnomAD compares: Middle Eastern, 0.016%; no homozygotes.

Submissions (2):

GeneDx
Classification: Uncertain significance. Last evaluated: 2024-09-13. Review status: criteria provided, single submitter. Criteria: GeneDx Variant Classification Process June 2021. Collection method: clinical testing. Allele origin: germline. Affected: yes.
Comment: In silico analysis supports that this missense variant has a deleterious effect on protein structure/function; Has not been previously published as pathogenic or benign to our knowledge

Labcorp Genetics (formerly Invitae), Labcorp
Classification: Uncertain significance. Last evaluated: 2022-11-01. Review status: criteria provided, single submitter. Criteria: Invitae Variant Classification Sherloc (09022015). Collection method: clinical testing. Allele origin: germline.
Comment: In summary, the available evidence is currently insufficient to determine the role of this variant in disease. Therefore, it has been classified as a Variant of Uncertain Significance. Advanced modeling of protein sequence and biophysical properties (such as structural, functional, and spatial information, amino acid conservation, physicochemical variation, residue mobility, and thermodynamic stability) performed at Invitae indicates that this missense variant is not expected to disrupt LARS protein function. ClinVar contains an entry for this variant (Variation ID: 1680389). This variant has not been reported in the literature in individuals affected with LARS-related conditions. This variant is present in population databases (rs371971212, gnomAD 0.02%). This sequence change replaces proline with leucine at codon 622 of the LARS protein (p.Pro622Leu).

NM_020117.11(LARS1):c.1865C>T (p.Pro622Leu)

Gene: LARS1 (leucyl-tRNA synthetase 1; minus strand). Cytogenetic location: 5q32.
Variant type: single nucleotide variant.
Coding change: c.1865C>T on transcript NM_020117.11 (MANE Select); coding-DNA position 1865, C replaced by T.
Protein change: p.Pro622Leu; replaces proline 622 with leucine.
Molecular consequence: missense variant.
Genome position (GRCh38, 1-based): chr5:146,143,424, G>A on the plus strand (C>T on the coding strand, the complement: LARS1 is on the minus strand). VCF-style: chr5-146143424-G-A. GRCh37 (hg19) VCF-style: chr5-145522987-G-A.
Other names: c.1865C>T (NM_020117.9); c.1727C>T, p.Pro576Leu (NM_001317964.2); c.1703C>T, p.Pro568Leu (NM_001317965.2); c.1784C>T, p.Pro595Leu (NM_016460.4); short protein forms P568L, P576L, P595L, P622L.
Identifiers: ClinVar variation 1680389 (VCV001680389.7), dbSNP rs371971212, ClinGen allele CA3489497.